The following is an entry in ClinVar:

ClinVar aggregate classification (germline): Pathogenic (1 of 4 stars; one submission).

Conditions:
LAMA2-related muscular dystrophy (LAMA2-RD). Also called: Laminin alpha 2-related dystrophy. Identifiers: MedGen C5679788, MONDO:0100228.

Submission:

Myriad Genetics, Inc.
Classification: Pathogenic for LAMA2-related muscular dystrophy. Last evaluated: 2025-06-22. Review status: criteria provided, single submitter. Criteria: Myriad Autosomal Dominant, Autosomal Recessive and X-Linked Classification Criteria (2023). Collection method: clinical testing. Allele origin: unknown.
Comment: NM_000426.3(LAMA2):c.54_74del21ins2(V20Sfs*19) is expected to be pathogenic in the context of muscular dystrophy, LAMA2-related. This variant is predicted to lead to an abnormal or absent protein product due to the creation of a premature termination codon in LAMA2, a gene where loss-of-function variants are known to be pathogenic. Please note: this variant was assessed in the context of healthy population screening.

NM_000426.4(LAMA2):c.54_74delinsAG (p.Val20fs)

Gene: LAMA2 (laminin subunit alpha 2; plus strand). Cytogenetic location: 6q22.33.
Variant type: Indel.
Coding change: c.54_74delinsAG on transcript NM_000426.4 (MANE Select); coding-DNA positions 54 to 74, GGGCGTACAGGCGCAGCGGCC replaced by AG.
Protein change: p.Val20fs; shifts the reading frame from valine 20.
Molecular consequence: frameshift variant.
Genome position (GRCh38, 1-based): chr6:128,883,299-128,883,319, GGGCGTACAGGCGCAGCGGCC replaced by AG. VCF-style: chr6-128883299-GGGCGTACAGGCGCAGCGGCC-AG. GRCh37 (hg19) VCF-style: chr6-129204444-GGGCGTACAGGCGCAGCGGCC-AG.
Other names: c.54_74delinsAG, p.Val20fs (NM_001079823.2); short protein forms V20fs.
Identifiers: ClinVar variation 5014628 (VCV005014628.1).